The following is an entry in ClinVar:

NM_004663.5(RAB11A):c.592A>G (p.Ile198Val)

Gene: RAB11A (RAB11A, member RAS oncogene family; plus strand). Cytogenetic location: 15q22.31.
Variant type: single nucleotide variant.
Coding change: c.592A>G on transcript NM_004663.5 (MANE Select); coding-DNA position 592, A replaced by G.
Protein change: p.Ile198Val; replaces isoleucine 198 with valine.
Molecular consequence: missense variant. On other transcripts: 3 prime UTR variant (1).
Genome position (GRCh38, 1-based): chr15:65,887,781, A>G. VCF-style: chr15-65887781-A-G. GRCh37 (hg19) VCF-style: chr15-66180119-A-G.
Other names: c.*29A>G (NM_001206836.2); short protein forms I198V.
Identifiers: ClinVar variation 4748224 (VCV004748224.1).

ClinVar aggregate classification (germline): Uncertain significance (1 of 4 stars; one submission).

gnomAD v4.1: 2 of 1,613,836 alleles (0.00012%); highest among the groups gnomAD compares: Non-Finnish European, 0.00017%; no homozygotes.

Submission:

Labcorp Genetics (formerly Invitae), Labcorp
Classification: Uncertain significance. Last evaluated: 2025-08-25. Review status: criteria provided, single submitter. Criteria: Invitae Variant Classification Sherloc (09022015). Collection method: clinical testing. Allele origin: germline.
Comment: This sequence change replaces isoleucine, which is neutral and non-polar, with valine, which is neutral and non-polar, at codon 198 of the RAB11A protein (p.Ile198Val). This variant is not present in population databases (gnomAD no frequency). This variant has not been reported in the literature in individuals affected with RAB11A-related conditions. An algorithm developed to predict the effect of missense changes on protein structure and function (PolyPhen-2) suggests that this variant is likely to be tolerated. In summary, the available evidence is currently insufficient to determine the role of this variant in disease. Therefore, it has been classified as a Variant of Uncertain Significance.